The following is an entry in ClinVar:

NM_032444.4(SLX4):c.2535C>A (p.Asn845Lys)

Gene: SLX4 (SLX4 structure-specific endonuclease subunit; minus strand). Cytogenetic location: 16p13.3.
Variant type: single nucleotide variant.
Coding change: c.2535C>A on transcript NM_032444.4 (MANE Select); coding-DNA position 2535, C replaced by A.
Protein change: p.Asn845Lys; replaces asparagine 845 with lysine.
Molecular consequence: missense variant.
Genome position (GRCh38, 1-based): chr16:3,591,103, G>T on the plus strand (C>A on the coding strand, the complement: SLX4 is on the minus strand). VCF-style: chr16-3591103-G-T. GRCh37 (hg19) VCF-style: chr16-3641104-G-T.
Other names: short protein forms N845K.
Identifiers: ClinVar variation 2976900 (VCV002976900.3), dbSNP rs1174692641, ClinGen allele CA394523547.

ClinVar aggregate classification (germline): Uncertain significance (1 of 4 stars; one submission).

Conditions:
Fanconi anemia (FA). Also called: Fanconi's anemia. Identifiers: Orphanet 84, MedGen C0015625, MeSH D005199, MONDO:0019391.

Submission:

Labcorp Genetics (formerly Invitae), Labcorp
Classification: Uncertain significance for Fanconi anemia. Last evaluated: 2023-06-18. Review status: criteria provided, single submitter. Criteria: Invitae Variant Classification Sherloc (09022015). Collection method: clinical testing. Allele origin: germline.
Comment: In summary, the available evidence is currently insufficient to determine the role of this variant in disease. Therefore, it has been classified as a Variant of Uncertain Significance. Algorithms developed to predict the effect of missense changes on protein structure and function output the following: SIFT: "Not Available"; PolyPhen-2: "Benign"; Align-GVGD: "Not Available". The lysine amino acid residue is found in multiple mammalian species, which suggests that this missense change does not adversely affect protein function. This variant has not been reported in the literature in individuals affected with SLX4-related conditions. This variant is not present in population databases (gnomAD no frequency). This sequence change replaces asparagine, which is neutral and polar, with lysine, which is basic and polar, at codon 845 of the SLX4 protein (p.Asn845Lys).